The following is an entry in ClinVar:

NM_001159699.2(FHL1):c.834dup (p.Arg279fs)

Gene: FHL1 (four and a half LIM domains 1; plus strand). Cytogenetic location: Xq26.3.
Variant type: Duplication.
Coding change: c.834dup on transcript NM_001159699.2 (MANE Select); coding-DNA position 834, one base duplicated (G; older notation c.834dupG).
Protein change: p.Arg279fs; shifts the reading frame from arginine 279.
Molecular consequence: frameshift variant. On other transcripts: 3 prime UTR variant (6), non-coding transcript variant (1).
Genome position (GRCh38, 1-based): chrX:136,209,968, G duplicated. VCF-style (leftmost placement, unchanged base first): chrX-136209967-A-AG. GRCh37 (hg19) VCF-style: chrX-135292126-A-AG.
Other names: c.786dup, p.Arg263fs (NM_001159700.2, NM_001159704.1, NM_001167819.1 and 4 more transcripts); c.873dup, p.Arg292fs (NM_001159701.2); c.*14dup (NM_001159702.3, NM_001159703.2, NM_001330659.2 and 3 more transcripts); short protein forms R279fs, R292fs, R263fs.
Identifiers: ClinVar variation 2756452 (VCV002756452.3), dbSNP rs2521336988, ClinGen allele CA2697544846.

ClinVar aggregate classification (germline): Pathogenic (1 of 4 stars; one submission).

Conditions:
X-linked myopathy with postural muscle atrophy. Also called: FHL1-Related Emery-Dreifuss Muscular Dystrophy, X-Linked. Identifiers: Orphanet 178461, MedGen C2678055, MONDO:0010401, OMIM 300696.

Submission:

Labcorp Genetics (formerly Invitae), Labcorp
Classification: Pathogenic for X-linked myopathy with postural muscle atrophy. Last evaluated: 2024-10-28. Review status: criteria provided, single submitter. Criteria: Invitae Variant Classification Sherloc (09022015). Collection method: clinical testing. Allele origin: germline.
Comment: This sequence change results in a frameshift in the FHL1 gene (p.Arg263Alafs*21). While this is not anticipated to result in nonsense mediated decay, it is expected to disrupt the last 18 amino acid(s) of the FHL1 protein and extend the protein by 2 additional amino acid residues. This variant is not present in population databases (gnomAD no frequency). This variant has not been reported in the literature in individuals affected with FHL1-related conditions. This variant disrupts a region of the FHL1 protein in which other variant(s) (p.Cys276Tyr) have been determined to be pathogenic (PMID: 19716112). This suggests that this is a clinically significant region of the protein, and that variants that disrupt it are likely to be disease-causing. For these reasons, this variant has been classified as Pathogenic.

Literature cited by the submitters: PubMed 19716112.